The following is an entry in ClinVar:

NM_001080414.4(CCDC88C):c.2681G>A (p.Arg894Gln)

Gene: CCDC88C (coiled-coil and HOOK domain protein 88C; minus strand). Cytogenetic location: 14q32.11.
Variant type: single nucleotide variant.
Coding change: c.2681G>A on transcript NM_001080414.4 (MANE Select); coding-DNA position 2681, G replaced by A.
Protein change: p.Arg894Gln; replaces arginine 894 with glutamine.
Molecular consequence: missense variant. On other transcripts: non-coding transcript variant (2).
Genome position (GRCh38, 1-based): chr14:91,313,135, C>T on the plus strand (G>A on the coding strand, the complement: CCDC88C is on the minus strand). VCF-style: chr14-91313135-C-T. GRCh37 (hg19) VCF-style: chr14-91779479-C-T.
Other names: short protein forms R894Q.
Identifiers: ClinVar variation 3773966 (VCV003773966.3).

ClinVar aggregate classification (germline): Uncertain significance. Review status: criteria provided, multiple submitters, no conflicts (2 of 4 stars). 2 submissions from 2 submitters: Uncertain significance (2). Last evaluated 2026-05-01.

gnomAD v4.1: 37 of 1,609,036 alleles (0.0023%); highest among the groups gnomAD compares: South Asian, 0.011%; no homozygotes.

Submissions (2):

CeGaT Center for Human Genetics Tuebingen
Classification: Uncertain significance. Last evaluated: 2026-05-01. Review status: criteria provided, single submitter. Criteria: CeGaT Center For Human Genetics Tuebingen Variant Classification Criteria Version 2. Collection method: clinical testing. Allele origin: germline. Affected: yes. Observed: 1 variant allele.
Comment: CCDC88C: PM2, BP4

GeneDx
Classification: Uncertain significance. Last evaluated: 2024-09-22. Review status: criteria provided, single submitter. Criteria: GeneDx Variant Classification Process June 2021. Collection method: clinical testing. Allele origin: germline. Affected: yes.
Comment: In silico analysis indicates that this missense variant does not alter protein structure/function; Has not been previously published as pathogenic or benign to our knowledge; This variant is associated with the following publications: (PMID: 27535533)